The following is an entry in ClinVar:

ClinVar aggregate classification (germline): Uncertain significance (1 of 4 stars; one submission).

Allele frequency attached by ClinVar (database versions not stated): ExAC 0.00001; gnomAD exomes 0.00001; gnomAD 0.00011; TOPMed 0.00011.
gnomAD v4.1: 27 of 1,443,932 alleles (0.0019%); highest among the groups gnomAD compares: African/African-American, 0.034%; no homozygotes.

Submission:

Labcorp Genetics (formerly Invitae), Labcorp
Classification: Uncertain significance. Last evaluated: 2024-01-02. Review status: criteria provided, single submitter. Criteria: Invitae Variant Classification Sherloc (09022015). Collection method: clinical testing. Allele origin: germline.
Comment: This sequence change replaces serine, which is neutral and polar, with arginine, which is basic and polar, at codon 25 of the MGP protein (p.Ser25Arg). The frequency data for this variant in the population databases is considered unreliable, as metrics indicate poor data quality at this position in the gnomAD database. This variant has not been reported in the literature in individuals affected with MGP-related conditions. ClinVar contains an entry for this variant (Variation ID: 1979715). An algorithm developed to predict the effect of missense changes on protein structure and function (PolyPhen-2) suggests that this variant is likely to be disruptive. In summary, the available evidence is currently insufficient to determine the role of this variant in disease. Therefore, it has been classified as a Variant of Uncertain Significance.

NM_000900.5(MGP):c.75C>A (p.Ser25Arg)

Gene: MGP (matrix Gla protein; minus strand). Cytogenetic location: 12p12.3.
Variant type: single nucleotide variant.
Coding change: c.75C>A on transcript NM_000900.5 (MANE Select); coding-DNA position 75, C replaced by A.
Protein change: p.Ser25Arg; replaces serine 25 with arginine.
Molecular consequence: missense variant.
Genome position (GRCh38, 1-based): chr12:14,884,232, G>T on the plus strand (C>A on the coding strand, the complement: MGP is on the minus strand). VCF-style: chr12-14884232-G-T. GRCh37 (hg19) VCF-style: chr12-15037166-G-T.
Other names: c.150C>A, p.Ser50Arg (NM_001190839.3); short protein forms S50R, S25R.
Identifiers: ClinVar variation 1979715 (VCV001979715.4), dbSNP rs755306746, ClinGen allele CA6465199.